The following is an entry in ClinVar:

NM_015662.3(IFT172):c.2765A>G (p.Tyr922Cys)

Genes: IFT172 (intraflagellar transport 172; minus strand), LOC126806174 (CDK7 strongly-dependent group 2 enhancer GRCh37_chr2:27681686-27682885; plus strand). Cytogenetic location: 2p23.3.
Variant type: single nucleotide variant.
Coding change: c.2765A>G on transcript NM_015662.3 (MANE Select); coding-DNA position 2765, A replaced by G.
Protein change: p.Tyr922Cys; replaces tyrosine 922 with cysteine.
Molecular consequence: missense variant.
Genome position (GRCh38, 1-based): chr2:27,459,400, T>C on the plus strand (A>G on the coding strand, the complement: IFT172 is on the minus strand). VCF-style: chr2-27459400-T-C. GRCh37 (hg19) VCF-style: chr2-27682267-T-C.
Other names: c.2765A>G (NM_015662.2); short protein forms Y922C.
Identifiers: ClinVar variation 1474230 (VCV001474230.7), dbSNP rs767901253, ClinGen allele CA1580200.
Genomic context (GRCh38, chr2:27,459,400, plus strand): 5'-TGCATTGCCTCGTGCTGCGGAAAGGGACTCTTCCTCACCTCATACTCCTGCAGGGATGCA[T>C]AGTGTTGGGCCACGAGAGGATAGTATTTGGATGCAGTGTTCCGGTCCTGTAGATCTAATA-3'
Protein context (NP_056477.1, residues 912-932): SKYYPLVAQH[Tyr922Cys]ASLQEYEIAE

ClinVar aggregate classification (germline): Conflicting classifications of pathogenicity. Review status: criteria provided, conflicting classifications (1 of 4 stars). 3 submissions from 3 submitters: Uncertain significance (2); Likely benign (1). Last evaluated 2025-10-31.

Conditions:
Retinitis pigmentosa 71 (RP71). Identifiers: Orphanet 791, MedGen C4225342, MONDO:0014618, OMIM 616394.
Short-rib thoracic dysplasia 10 with or without polydactyly (SRTD10). Identifiers: Orphanet 474, MedGen C3810175, MONDO:0014284, OMIM 615630.
IFT172-related disorder. Also called: IFT172-related condition; IFT172-related disorders.

Allele frequency attached by ClinVar (database versions not stated): TOPMed below 0.00001; gnomAD 0.00003; ExAC 0.00018.
gnomAD v4.1: 107 of 1,614,150 alleles (0.0066%); highest among the groups gnomAD compares: South Asian, 0.12%; 2 homozygotes.

Submissions (3):

PreventionGenetics, part of Exact Sciences
Classification: Uncertain significance for IFT172-related condition. Last evaluated: 2025-10-31. Review status: criteria provided, single submitter. Criteria: ACMG Guidelines, 2015. Collection method: clinical testing. Allele origin: germline.
Comment: The IFT172 c.2765A>G variant is predicted to result in the amino acid substitution p.Tyr922Cys. To our knowledge, this variant has not been reported in the literature. This variant is reported in 0.12% of alleles in individuals of South Asian descent in gnomAD. Although we suspect that this variant may be benign, at this time, the clinical significance of this variant is uncertain due to the absence of conclusive functional and genetic evidence.

GeneDx
Classification: Uncertain significance. Last evaluated: 2025-08-11. Review status: criteria provided, single submitter. Criteria: GeneDx Variant Classification Process June 2021. Collection method: clinical testing. Allele origin: germline. Affected: yes.
Comment: In silico analysis supports that this missense variant has a deleterious effect on protein structure/function; Has not been previously published as pathogenic or benign to our knowledge

Labcorp Genetics (formerly Invitae), Labcorp
Classification: Likely benign for Retinitis pigmentosa 71; Short-rib thoracic dysplasia 10 with or without polydactyly. Last evaluated: 2023-02-17. Review status: criteria provided, single submitter. Criteria: Invitae Variant Classification Sherloc (09022015). Collection method: clinical testing. Allele origin: germline.